The following is an entry in ClinVar:

ClinVar aggregate classification (germline): Uncertain significance (1 of 4 stars; one submission).

Allele frequency attached by ClinVar (database versions not stated): gnomAD 0.00001; TOPMed 0.00001; ExAC 0.00002.
gnomAD v4.1: 19 of 1,614,070 alleles (0.0012%); highest among the groups gnomAD compares: Non-Finnish European, 0.0015%; no homozygotes.

Submission:

Labcorp Genetics (formerly Invitae), Labcorp
Classification: Uncertain significance. Last evaluated: 2022-07-25. Review status: criteria provided, single submitter. Criteria: Invitae Variant Classification Sherloc (09022015). Collection method: clinical testing. Allele origin: germline.
Comment: This sequence change replaces glutamic acid, which is acidic and polar, with aspartic acid, which is acidic and polar, at codon 3952 of the USH2A protein (p.Glu3952Asp). This variant is present in population databases (rs762702250, gnomAD 0.004%). This variant has not been reported in the literature in individuals affected with USH2A-related conditions. Algorithms developed to predict the effect of missense changes on protein structure and function output the following: SIFT: "Tolerated"; PolyPhen-2: "Benign"; Align-GVGD: "Class C0". The aspartic acid amino acid residue is found in multiple mammalian species, which suggests that this missense change does not adversely affect protein function. In summary, the available evidence is currently insufficient to determine the role of this variant in disease. Therefore, it has been classified as a Variant of Uncertain Significance.

NM_206933.4(USH2A):c.11856G>C (p.Glu3952Asp)

Gene: USH2A (usherin; minus strand). Cytogenetic location: 1q41.
Variant type: single nucleotide variant.
Coding change: c.11856G>C on transcript NM_206933.4 (MANE Select); coding-DNA position 11856, G replaced by C.
Protein change: p.Glu3952Asp; replaces glutamic acid 3952 with aspartic acid.
Molecular consequence: missense variant.
Genome position (GRCh38, 1-based): chr1:215,728,240, C>G on the plus strand (G>C on the coding strand, the complement: USH2A is on the minus strand). VCF-style: chr1-215728240-C-G. GRCh37 (hg19) VCF-style: chr1-215901582-C-G.
Other names: short protein forms E3952D.
Identifiers: ClinVar variation 2188527 (VCV002188527.1), dbSNP rs762702250, ClinGen allele CA1393608.